The following is an entry in ClinVar:

NM_000329.3(RPE65):c.475A>T (p.Thr159Ser)

Gene: RPE65 (retinoid isomerohydrolase RPE65; minus strand). Cytogenetic location: 1p31.3.
Variant type: single nucleotide variant.
Coding change: c.475A>T on transcript NM_000329.3 (MANE Select); coding-DNA position 475, A replaced by T.
Protein change: p.Thr159Ser; replaces threonine 159 with serine.
Molecular consequence: missense variant.
Genome position (GRCh38, 1-based): chr1:68,444,551, T>A on the plus strand (A>T on the coding strand, the complement: RPE65 is on the minus strand). VCF-style: chr1-68444551-T-A. GRCh37 (hg19) VCF-style: chr1-68910234-T-A.
Other names: c.367A>T, p.Thr123Ser (NM_001406853.1); c.199A>T, p.Thr67Ser (NM_001406856.1, NM_001406857.1); c.475A>T, p.Thr159Ser (NM_001406859.1, NM_001406860.1); short protein forms T123S, T67S, T159S.
Identifiers: ClinVar variation 4793133 (VCV004793133.2).

ClinVar aggregate classification (germline): Uncertain significance. Review status: criteria provided, multiple submitters, no conflicts (2 of 4 stars). 2 submissions from 2 submitters: Uncertain significance (2). Last evaluated 2025-06-06.

Conditions:
Retinitis pigmentosa 20 (RP20). Identifiers: Orphanet 791, MedGen C3151086, MONDO:0013425, OMIM 613794.
Leber congenital amaurosis 2 (LCA2). Also called: AMAUROSIS CONGENITA OF LEBER II; Autosomal Recessive RPE65-Related Retinal Degeneration. Identifiers: Orphanet 65, MedGen C1859844, MONDO:0008765, OMIM 204100. Disease mechanism: loss of function.

gnomAD v4.1: 33 of 1,614,134 alleles (0.002%); highest among the groups gnomAD compares: Non-Finnish European, 0.0024%; no homozygotes.

Submissions (2):

Labcorp Genetics (formerly Invitae), Labcorp
Classification: Uncertain significance for Leber congenital amaurosis 2; Retinitis pigmentosa 20. Last evaluated: 2025-06-06. Review status: criteria provided, single submitter. Criteria: Invitae Variant Classification Sherloc (09022015). Collection method: clinical testing. Allele origin: germline.
Comment: This sequence change replaces threonine, which is neutral and polar, with serine, which is neutral and polar, at codon 159 of the RPE65 protein (p.Thr159Ser). This variant is not present in population databases (gnomAD no frequency). This variant has not been reported in the literature in individuals affected with RPE65-related conditions. Invitae Evidence Modeling of protein sequence and biophysical properties (such as structural, functional, and spatial information, amino acid conservation, physicochemical variation, residue mobility, and thermodynamic stability) indicates that this missense variant is not expected to disrupt RPE65 protein function with a negative predictive value of 80%. In summary, the available evidence is currently insufficient to determine the role of this variant in disease. Therefore, it has been classified as a Variant of Uncertain Significance.

Blueprint Genetics
Classification: Uncertain significance. Last evaluated: 2021-12-10. Review status: criteria provided, single submitter. Criteria: ACMG Guidelines, 2015. Collection method: clinical testing. Allele origin: germline.